The following is an entry in ClinVar:

NM_001377275.1(PER3):c.1878G>A (p.Thr626=)

Gene: PER3 (period circadian regulator 3; plus strand). Cytogenetic location: 1p36.23.
Variant type: single nucleotide variant.
Coding change: c.1878G>A on transcript NM_001377275.1 (MANE Select); coding-DNA position 1878, G replaced by A.
Protein change: p.Thr626=; no amino-acid change (threonine 626 retained).
Molecular consequence: synonymous variant.
Genome position (GRCh38, 1-based): chr1:7,820,561, G>A. VCF-style: chr1-7820561-G-A. GRCh37 (hg19) VCF-style: chr1-7880621-G-A.
Other names: c.1878G>A, p.Thr626= (NM_001289861.2, NM_001289862.2); c.1857G>A, p.Thr619= (NM_001289863.3, NM_001377276.1); c.921G>A, p.Thr307= (NM_001289864.3); c.1854G>A, p.Thr618= (NM_016831.4).
Identifiers: ClinVar variation 3057990 (VCV003057990.2), dbSNP rs765289714, ClinGen allele CA568234.
Genomic context (GRCh38, chr1:7,820,561, plus strand): 5'-AATGCCAACAAATGGACGGTCCATAGACACAGGAGGAGGAGCTCCACAGATCCTGTCCAC[G>A]GCGATGCTGAGCTTGGGGTCGGGCATAAGCCAATGCGGTTACAGCAGCACCATTGTCCAT-3'
Protein context (NP_001364204.1, residues 616-636): TGGGAPQILS[Thr626=]AMLSLGSGIS

ClinVar aggregate classification (germline): Likely benign (0 of 4 stars; one submission).

Conditions:
PER3-related disorder. Also called: PER3-related condition.

Allele frequency attached by ClinVar (database versions not stated): gnomAD 0.00001; ExAC 0.00002; TOPMed 0.00002; gnomAD exomes 0.00003.
gnomAD v4.1: 46 of 1,614,016 alleles (0.0029%); highest among the groups gnomAD compares: Non-Finnish European, 0.0035%; no homozygotes.

Submission:

PreventionGenetics, part of Exact Sciences
Classification: Likely benign for PER3-related condition. Last evaluated: 2019-02-22. Review status: no assertion criteria provided. Collection method: clinical testing. Allele origin: germline.
Comment: This variant is classified as likely benign based on ACMG/AMP sequence variant interpretation guidelines (Richards et al. 2015 PMID: 25741868, with internal and published modifications).